The following is an entry in ClinVar:

NM_000748.3(CHRNB2):c.-51C>A

Genes: CHRNB2 (cholinergic receptor nicotinic beta 2 subunit; plus strand), LOC129931511 (ATAC-STARR-seq lymphoblastoid silent region 1363; plus strand). Cytogenetic location: 1q21.3.
Variant type: single nucleotide variant.
Coding change: c.-51C>A on transcript NM_000748.3 (MANE Select); 51 bases upstream of the start codon, C replaced by A.
Molecular consequence: 5 prime UTR variant.
Genome position (GRCh38, 1-based): chr1:154,567,994, C>A. VCF-style: chr1-154567994-C-A. GRCh37 (hg19) VCF-style: chr1-154540470-C-A.
Identifiers: ClinVar variation 673238 (VCV000673238.2), dbSNP rs111862660, ClinGen allele CA1130574.
Genomic context (GRCh38, chr1:154,567,994, plus strand): 5'-CAGCTCCAGGCGGGCGCGGCTTCAGCACCACGGACAGCGCCCCACCCGCGGCCCTCCCCC[C>A]GGCGGCGCGCTCCAGCCGGTGTAGGCGAGGCAGCGAGCTATGCCCGCGGCATGGCCCGGC-3'

ClinVar aggregate classification (germline): Likely benign. Review status: criteria provided, multiple submitters, no conflicts (2 of 4 stars). 2 submissions from 2 submitters: Likely benign (2). Last evaluated 2018-06-19.

Allele frequency attached by ClinVar (database versions not stated): ESP Exome Variant Server 0.00318; 1000 Genomes Project 0.00779; gnomAD 0.00810; TOPMed 0.00855; 1000 Genomes Project 30x 0.00874.
gnomAD v4.1: 2,340 of 1,480,666 alleles (0.16%); highest among the groups gnomAD compares: African/African-American, 2.7%; 28 homozygotes.

Submissions (2):

GeneDx
Classification: Likely benign. Last evaluated: 2018-06-19. Review status: criteria provided, single submitter. Criteria: GeneDx Variant Classification (06012015). Collection method: clinical testing. Allele origin: germline. Affected: yes.
Comment: This variant is considered likely benign or benign based on one or more of the following criteria: it is a conservative change, it occurs at a poorly conserved position in the protein, it is predicted to be benign by multiple in silico algorithms, and/or has population frequency not consistent with disease.

Breakthrough Genomics
Classification: Likely benign. Review status: criteria provided, single submitter. Criteria: ACMG Guidelines, 2015. Collection method: not provided. Allele origin: germline. Inheritance: Unknown mechanism. Affected: yes.